The following is an entry in ClinVar:

ClinVar aggregate classification (germline): Conflicting classifications of pathogenicity. Review status: criteria provided, conflicting classifications (1 of 4 stars). 7 submissions from 5 submitters: Uncertain significance (6); Likely benign (1). Last evaluated 2022-06-08.

Conditions:
Tooth agenesis, selective, 4 (STHAG4). Also called: SUCCEDANEOUS TEETH, AGENESIS OF; LATERAL INCISORS, ABSENCE OF; LATERAL INCISORS, PEGGED OR MISSING; TOOTH AGENESIS, SELECTIVE, 4, WITH OR WITHOUT ECTODERMAL DYSPLASIA. Identifiers: Orphanet 99798, MedGen C1835492, MONDO:0007881, OMIM 150400. Disease mechanism: loss of function.
Odonto-onycho-dermal dysplasia. Identifiers: Orphanet 2721, MedGen C0796093, MONDO:0009773, OMIM 257980.
Inborn genetic diseases. Identifiers: MedGen C0950123, MeSH D030342.
Schöpf-Schulz-Passarge syndrome. Also called: ECCRINE TUMORS WITH ECTODERMAL DYSPLASIA; KERATOSIS PALMOPLANTARIS WITH CYSTIC EYELIDS, HYPODONTIA, AND HYPOTRICHOSIS; SchC6pf-Schulz-Passarge syndrome. Identifiers: Orphanet 50944, MedGen C1857069, MONDO:0009145, OMIM 224750.

Allele frequency attached by ClinVar (database versions not stated): gnomAD 0.00001 and 0.00003; TOPMed 0.00002; ExAC 0.00007; ESP Exome Variant Server 0.00008.
gnomAD v4.1: 97 of 1,613,022 alleles (0.006%); highest among the groups gnomAD compares: South Asian, 0.056%; 1 homozygote.

Submissions (7):

Ambry Genetics
Classification: Likely benign for Inborn genetic diseases. Last evaluated: 2022-06-08. Review status: criteria provided, single submitter. Criteria: Ambry Variant Classification Scheme 2023. Collection method: clinical testing. Allele origin: germline.

Greenwood Genetic Center Diagnostic Laboratories, Greenwood Genetic Center
Classification: Uncertain significance. Last evaluated: 2021-12-06. Review status: criteria provided, single submitter. Criteria: ACMG Guidelines, 2015. Collection method: clinical testing. Allele origin: germline. Affected: yes.
Comment: PM2

UNC Molecular Genetics  Laboratory, University of North Carolina at Chapel Hill
Classification: Uncertain significance for Odonto-onycho-dermal dysplasia. Last evaluated: 2021-08-31. Review status: criteria provided, single submitter. Criteria: ACMG Guidelines, 2015. Collection method: research. Allele origin: unknown. Observed: 1 variant allele. Study: CSER_NCGENES_2.
Comment: WNT10A c.652A>G p.(Met218Val) is predicted to change a single amino acid in the encoded protein from a methionine to valine. This variant is observed in gnomAD v2.1.1 with a total allele frequency of 0.008% (22 alleles/279560 alleles, 0 homozygotes). To our knowledge, this variant has not been previously reported in the literature and is therefore classified a variant of uncertain significance.

Labcorp Genetics (formerly Invitae), Labcorp
Classification: Uncertain significance for Tooth agenesis, selective, 4; Odonto-onycho-dermal dysplasia. Last evaluated: 2021-08-26. Review status: criteria provided, single submitter. Criteria: Invitae Variant Classification Sherloc (09022015). Collection method: clinical testing. Allele origin: germline.
Comment: This sequence change replaces methionine with valine at codon 218 of the WNT10A protein (p.Met218Val). The methionine residue is weakly conserved and there is a small physicochemical difference between methionine and valine. This variant is present in population databases (rs373991357, ExAC 0.05%). This variant has not been reported in the literature in individuals affected with WNT10A-related conditions. ClinVar contains an entry for this variant (Variation ID: 334402). Algorithms developed to predict the effect of missense changes on protein structure and function output the following: SIFT: "Tolerated"; PolyPhen-2: "Benign"; Align-GVGD: "Class C0". The valine amino acid residue is found in multiple mammalian species, which suggests that this missense change does not adversely affect protein function. Algorithms developed to predict the effect of sequence changes on RNA splicing suggest that this variant may create or strengthen a splice site. In summary, the available evidence is currently insufficient to determine the role of this variant in disease. Therefore, it has been classified as a Variant of Uncertain Significance.

Illumina Laboratory Services, Illumina
Classification: Uncertain significance for Schöpf-Schulz-Passarge syndrome. Last evaluated: 2018-01-13. Review status: criteria provided, single submitter. Criteria: ICSL Variant Classification Criteria 13 December 2019. Collection method: clinical testing. Allele origin: germline.

Illumina Laboratory Services, Illumina
Classification: Uncertain significance for Tooth agenesis, selective, 4. Last evaluated: 2018-01-13. Review status: criteria provided, single submitter. Criteria: ICSL Variant Classification Criteria 13 December 2019. Collection method: clinical testing. Allele origin: germline.

Illumina Laboratory Services, Illumina
Classification: Uncertain significance for Odonto-onycho-dermal dysplasia. Last evaluated: 2018-01-13. Review status: criteria provided, single submitter. Criteria: ICSL Variant Classification Criteria 13 December 2019. Collection method: clinical testing. Allele origin: germline.

NM_025216.3(WNT10A):c.652A>G (p.Met218Val)

Gene: WNT10A (Wnt family member 10A; plus strand). Cytogenetic location: 2q35.
Variant type: single nucleotide variant.
Coding change: c.652A>G on transcript NM_025216.3 (MANE Select); coding-DNA position 652, A replaced by G.
Protein change: p.Met218Val; replaces methionine 218 with valine.
Molecular consequence: missense variant.
Genome position (GRCh38, 1-based): chr2:218,890,259, A>G. VCF-style: chr2-218890259-A-G. GRCh37 (hg19) VCF-style: chr2-219754981-A-G.
Other names: short protein forms M218V.
Identifiers: ClinVar variation 334402 (VCV000334402.11), dbSNP rs373991357, ClinGen allele CA2113987.